The following is an entry in ClinVar:

GRCh37/hg19 1q21.1-21.3(chr1:144927578-153223600)x3

Genes: SPRR1B (small proline rich protein 1B; plus strand), SPRR2A (small proline rich protein 2A; minus strand), SPRR2B (small proline rich protein 2B; minus strand), SPRR2D (small proline rich protein 2D; minus strand), SPRR2E (small proline rich protein 2E; minus strand) and 151 more. Cytogenetic location: 1q21.1-21.3.
Variant type: copy number gain.
Change: copy number 3 (three copies instead of two) of chr1:144,927,578-153,223,600 (8.30 Mb, GRCh37 coordinates, 1-based), cytogenetic band 1q21.1-21.3.
Identifiers: ClinVar variation 225520 (VCV000225520.2).

ClinVar aggregate classification (germline): Pathogenic (0 of 4 stars; one submission).

Conditions:
Chromosome 1q21.1 duplication syndrome. Also called: 1q21.1 recurrent microduplication. Identifiers: Orphanet 250994, MedGen C2675891, MONDO:0012915, OMIM 612475.

Submission:

Laboratory of Genetics, AOUP, Azienda Ospedaliera Universitaria Pisana
Classification: Pathogenic for Chromosome 1q21.1 duplication syndrome. Last evaluated: 2015-12-22. Review status: no assertion criteria provided. Collection method: clinical testing. Allele origin: unknown. Inheritance: Autosomal dominant inheritance. Affected: yes.

Literature cited by the submitters: PubMed 26975584.